The following is an entry in ClinVar:

NM_006295.3(VARS1):c.2614G>A (p.Asp872Asn)

Gene: VARS1 (valyl-tRNA synthetase 1; minus strand). Cytogenetic location: 6p21.33.
Variant type: single nucleotide variant.
Coding change: c.2614G>A on transcript NM_006295.3 (MANE Select); coding-DNA position 2614, G replaced by A.
Protein change: p.Asp872Asn; replaces aspartic acid 872 with asparagine.
Molecular consequence: missense variant.
Genome position (GRCh38, 1-based): chr6:31,781,054, C>T on the plus strand (G>A on the coding strand, the complement: VARS1 is on the minus strand). VCF-style: chr6-31781054-C-T. GRCh37 (hg19) VCF-style: chr6-31748831-C-T.
Other names: short protein forms D872N.
Identifiers: ClinVar variation 4532028 (VCV004532028.2).

ClinVar aggregate classification (germline): Uncertain significance (1 of 4 stars; one submission).

Conditions:
Neurodevelopmental disorder with microcephaly, seizures, and cortical atrophy. Identifiers: MedGen C4540493, MONDO:0060621, OMIM 617802.

gnomAD v4.1: 18 of 1,613,772 alleles (0.0011%); highest among the groups gnomAD compares: Non-Finnish European, 0.0013%; no homozygotes.

Submission:

Victorian Clinical Genetics Services, Murdoch Childrens Research Institute
Classification: Uncertain significance for Neurodevelopmental disorder with microcephaly, seizures, and cortical atrophy. Last evaluated: 2026-01-28. Review status: criteria provided, single submitter. Criteria: ACMG Guidelines, 2015. Collection method: clinical testing. Allele origin: germline. Affected: yes.
Comment: This variant is classified as VUS-3B. Evidence in support of pathogenic classification: Variant is present in gnomAD <0.01 for a recessive condition (v4: 18 heterozygote(s), 0 homozygote(s)). Additional information: Variant is predicted to result in a missense amino acid change from aspartic acid to asparagine; This variant is heterozygous; This gene is associated with autosomal recessive disease; Multiple alternative amino acid changes at the same position have been observed in gnomAD (v4; highest allele frequency: 1 heterozygote(s), 0 homozygote(s)); This variant has no previous evidence of pathogenicity; No published segregation evidence has been identified for this variant; No published functional evidence has been identified for this variant; No comparable missense variants have previous evidence for pathogenicity; Variant is located in the annotated tRNA synthetases class I (I, L, M and V) domain (DECIPHER); Missense variant with an inconclusive in silico prediction and uninformative conservation; Loss of function is a known mechanism of disease in this gene and is associated with neurodevelopmental disorder with microcephaly, seizures, and cortical atrophy (MIM#617802); Variants in this gene are known to have variable expressivity (PMID: 30755616, 30755602).

Literature cited by the submitters: PubMed 30755616; PubMed 30755602.